The following is an entry in ClinVar:

ClinVar aggregate classification (germline): Pathogenic (1 of 4 stars; one submission).

Conditions:
C1Q deficiency 1 (C1QD1). Identifiers: MedGen CN376805, MONDO:0958182, OMIM 613652.

Submission:

Kasturba Medical College, Manipal, Kasturba Medical College, Manipal, Manipal Academy of Higher Education, Manipal, India
Classification: Pathogenic for C1Q deficiency 1. Review status: criteria provided, single submitter. Criteria: ACMG Guidelines, 2015. Collection method: research. Allele origin: biparental. Inheritance: Autosomal recessive inheritance. Affected: yes. Observed: 1 homozygote.
Comment: This variant is absent in gnomAD population database and our in-house database of 2101 exomes. In-silico analysis tool, Mutation Taster predicts that the variant is damaging. This variant is predicted to cause shift in the reading frame of the transcript which will either lead to the nonsense-mediated mRNA decay or formation of a truncated protein product.

NM_001378156.1(C1QB):c.174del (p.Glu59fs)

Gene: C1QB (complement C1q B chain; plus strand). Cytogenetic location: 1p36.12.
Variant type: Deletion.
Coding change: c.174del on transcript NM_001378156.1 (MANE Select); coding-DNA position 174, one base deleted (A; older notation c.174delA).
Protein change: p.Glu59fs; shifts the reading frame from glutamic acid 59.
Molecular consequence: frameshift variant.
Genome position (GRCh38, 1-based): chr1:22,659,636, A deleted. VCF-style (leftmost placement, unchanged base first): chr1-22659635-GA-G. GRCh37 (hg19) VCF-style: chr1-22986128-GA-G.
Other names: c.180del, p.Glu61fs (NM_000491.5); c.174del, p.Glu59fs (NM_001371184.3); short protein forms E59fs, E61fs.
Identifiers: ClinVar variation 4685007 (VCV004685007.1).